The following is an entry in ClinVar:

ClinVar aggregate classification (germline): Likely benign (0 of 4 stars; one submission).

Conditions:
RASA1-related disorder. Also called: RASA1-related condition.

Allele frequency attached by ClinVar (database versions not stated): gnomAD 0.00001; gnomAD exomes 0.00004; ExAC 0.00020.
gnomAD v4.1: 60 of 1,610,332 alleles (0.0037%); highest among the groups gnomAD compares: Admixed American, 0.073%; 1 homozygote.

Submission:

PreventionGenetics, part of Exact Sciences
Classification: Likely benign for RASA1-related condition. Last evaluated: 2022-06-29. Review status: no assertion criteria provided. Collection method: clinical testing. Allele origin: germline.
Comment: This variant is classified as likely benign based on ACMG/AMP sequence variant interpretation guidelines (Richards et al. 2015 PMID: 25741868, with internal and published modifications).

NM_002890.3(RASA1):c.1505C>T (p.Ala502Val)

Genes: CCNH (cyclin H; minus strand), RASA1 (RAS p21 protein activator 1; plus strand). Cytogenetic location: 5q14.3.
Variant type: single nucleotide variant.
Coding change: c.1505C>T on transcript NM_002890.3 (MANE Select); coding-DNA position 1505, C replaced by T.
Protein change: p.Ala502Val; replaces alanine 502 with valine.
Molecular consequence: missense variant. On other transcripts: intron variant (1).
Genome position (GRCh38, 1-based): chr5:87,363,399, C>T. VCF-style: chr5-87363399-C-T. GRCh37 (hg19) VCF-style: chr5-86659216-C-T.
Other names: c.974C>T, p.Ala325Val (NM_022650.3); c.933+31645G>A (NM_001364075.2); short protein forms A325V, A502V.
Identifiers: ClinVar variation 3054126 (VCV003054126.2), dbSNP rs752748783, ClinGen allele CA3335777.